The following is an entry in ClinVar:

ClinVar aggregate classification (germline): Uncertain significance (1 of 4 stars; one submission).

Submission:

Labcorp Genetics (formerly Invitae), Labcorp
Classification: Uncertain significance. Last evaluated: 2024-05-15. Review status: criteria provided, single submitter. Criteria: Invitae Variant Classification Sherloc (09022015). Collection method: clinical testing. Allele origin: germline.
Comment: This sequence change replaces glutamic acid, which is acidic and polar, with lysine, which is basic and polar, at codon 328 of the TUBB2A protein (p.Glu328Lys). This variant is not present in population databases (gnomAD no frequency). This variant has not been reported in the literature in individuals affected with TUBB2A-related conditions. ClinVar contains an entry for this variant (Variation ID: 1350805). Advanced modeling of protein sequence and biophysical properties (such as structural, functional, and spatial information, amino acid conservation, physicochemical variation, residue mobility, and thermodynamic stability) performed at Invitae indicates that this missense variant is not expected to disrupt TUBB2A protein function with a negative predictive value of 80%. In summary, the available evidence is currently insufficient to determine the role of this variant in disease. Therefore, it has been classified as a Variant of Uncertain Significance.

NM_001069.3(TUBB2A):c.982G>A (p.Glu328Lys)

Gene: TUBB2A (tubulin beta 2A class IIa; minus strand). Cytogenetic location: 6p25.2.
Variant type: single nucleotide variant.
Coding change: c.982G>A on transcript NM_001069.3 (MANE Select); coding-DNA position 982, G replaced by A.
Protein change: p.Glu328Lys; replaces glutamic acid 328 with lysine.
Molecular consequence: missense variant.
Genome position (GRCh38, 1-based): chr6:3,154,219, C>T on the plus strand (G>A on the coding strand, the complement: TUBB2A is on the minus strand). VCF-style: chr6-3154219-C-T. GRCh37 (hg19) VCF-style: chr6-3154453-C-T.
Other names: c.727G>A, p.Glu243Lys (NM_001310315.2); short protein forms E243K, E328K.
Identifiers: ClinVar variation 1350805 (VCV001350805.8), dbSNP rs2113785145, ClinGen allele CA362591517.
Genomic context (GRCh38, chr6:3,154,219, plus strand): 5'-TGTTGGGGATCCACTCCACGAAGTAGCTGCTGTTCTTGTTCTGCACGTTGAGCATCTGCT[C>T]GTCCACCTCCTTCATGGACATGCGGCCCCGGAAGATGGCAGCCACCGTCAGGTAGCGGCC-3'
Protein context (NP_001060.1, residues 318-338): RGRMSMKEVD[Glu328Lys]QMLNVQNKNS